The following is an entry in ClinVar:

ClinVar aggregate classification (germline): Uncertain significance (1 of 4 stars; one submission).

Conditions:
Seizures, benign familial infantile, 3 (BFIS3). Also called: Familial neonatal seizures; CONVULSIONS, BENIGN FAMILIAL INFANTILE, 3. Identifiers: Orphanet 140927, Orphanet 306, MedGen C1843140, MONDO:0011904, OMIM 607745.
Developmental and epileptic encephalopathy, 11 (DEE11). Also called: Early infantile epileptic encephalopathy 11. Identifiers: Orphanet 1934, MedGen C3150987, MONDO:0013388, OMIM 613721.

Submission:

Labcorp Genetics (formerly Invitae), Labcorp
Classification: Uncertain significance for Seizures, benign familial infantile, 3; Developmental and epileptic encephalopathy, 11. Last evaluated: 2022-05-04. Review status: criteria provided, single submitter. Criteria: Invitae Variant Classification Sherloc (09022015). Collection method: clinical testing. Allele origin: germline.
Comment: In summary, the available evidence is currently insufficient to determine the role of this variant in disease. Therefore, it has been classified as a Variant of Uncertain Significance. Algorithms developed to predict the effect of sequence changes on RNA splicing suggest that this variant may create or strengthen a splice site. Algorithms developed to predict the effect of missense changes on protein structure and function are either unavailable or do not agree on the potential impact of this missense change (SIFT: "Deleterious"; PolyPhen-2: "Benign"; Align-GVGD: "Class C0"). This variant has not been reported in the literature in individuals affected with SCN2A-related conditions. This variant is not present in population databases (gnomAD no frequency). This sequence change replaces asparagine, which is neutral and polar, with aspartic acid, which is acidic and polar, at codon 150 of the SCN2A protein (p.Asn150Asp).

NM_001040142.2(SCN2A):c.448A>G (p.Asn150Asp)

Gene: SCN2A (sodium voltage-gated channel alpha subunit 2; plus strand). Cytogenetic location: 2q24.3.
Variant type: single nucleotide variant.
Coding change: c.448A>G on transcript NM_001040142.2 (MANE Select); coding-DNA position 448, A replaced by G.
Protein change: p.Asn150Asp; replaces asparagine 150 with aspartic acid.
Molecular consequence: missense variant.
Genome position (GRCh38, 1-based): chr2:165,307,909, A>G. VCF-style: chr2-165307909-A-G. GRCh37 (hg19) VCF-style: chr2-166164419-A-G.
Other names: c.448A>G, p.Asn150Asp (NM_001040143.2, NM_001371246.1, NM_001371247.1 and 1 more transcripts); short protein forms N150D.
Identifiers: ClinVar variation 2132188 (VCV002132188.4), dbSNP rs2467880993, ClinGen allele CA349015330.